The following is an entry in ClinVar:

NM_001378120.1(MBD5):c.3881C>T (p.Pro1294Leu)

Gene: MBD5 (methyl-CpG binding domain protein 5; plus strand). Cytogenetic location: 2q23.1.
Variant type: single nucleotide variant.
Coding change: c.3881C>T on transcript NM_001378120.1 (MANE Select); coding-DNA position 3881, C replaced by T.
Protein change: p.Pro1294Leu; replaces proline 1294 with leucine.
Molecular consequence: missense variant.
Genome position (GRCh38, 1-based): chr2:148,489,513, C>T. VCF-style: chr2-148489513-C-T. GRCh37 (hg19) VCF-style: chr2-149247082-C-T.
Other names: c.3182C>T, p.Pro1061Leu (NM_018328.5); short protein forms P1061L, P1294L.
Identifiers: ClinVar variation 406454 (VCV000406454.16), dbSNP rs375158010, ClinGen allele CA1900350.
Genomic context (GRCh38, chr2:148,489,513, plus strand): 5'-TTCCTGAGAATCCAAACACTACACTTCCACCTTTTCAAGATACACCTTGTGAGTTGCAAC[C>T]GAGGATTGACCCATCTCTTGGTCAACAGGTGAAGGATGGCCTCGTTGTGGGTGGCCCAGG-3'
Protein context (NP_001365049.1, residues 1284-1304): PFQDTPCELQ[Pro1294Leu]RIDPSLGQQV

ClinVar aggregate classification (germline): Benign/Likely benign. Review status: criteria provided, multiple submitters, no conflicts (2 of 4 stars). 4 submissions from 4 submitters: Benign (1); Likely benign (3). Last evaluated 2026-07-01.

Conditions:
Intellectual developmental disorder, autosomal dominant 1. Also called: MBD5 Haploinsufficiency; Intellectual disability, autosomal dominant 1. Identifiers: Orphanet 228402, MedGen C1969562, MONDO:0007974, OMIM 156200.
Inborn genetic diseases. Identifiers: MedGen C0950123, MeSH D030342.

Allele frequency attached by ClinVar (database versions not stated): gnomAD 0.00004 and 0.00003; TOPMed 0.00004; ESP Exome Variant Server 0.00008; ExAC 0.00003.
gnomAD v4.1: 22 of 1,614,028 alleles (0.0014%); highest among the groups gnomAD compares: Admixed American, 0.018%; no homozygotes.

Submissions (4):

CeGaT Center for Human Genetics Tuebingen
Classification: Likely benign. Last evaluated: 2026-07-01. Review status: criteria provided, single submitter. Criteria: CeGaT Center For Human Genetics Tuebingen Variant Classification Criteria Version 2. Collection method: clinical testing. Allele origin: germline. Affected: yes. Observed: 1 variant allele.
Comment: MBD5: BP4

Labcorp Genetics (formerly Invitae), Labcorp
Classification: Likely benign for Intellectual developmental disorder, autosomal dominant 1. Last evaluated: 2026-01-05. Review status: criteria provided, single submitter. Criteria: Invitae Variant Classification Sherloc (09022015). Collection method: clinical testing. Allele origin: germline.

Ambry Genetics
Classification: Benign for Inborn genetic diseases. Last evaluated: 2019-11-13. Review status: criteria provided, single submitter. Criteria: Ambry Variant Classification Scheme 2023. Collection method: clinical testing. Allele origin: germline.

Breakthrough Genomics
Classification: Likely benign. Review status: criteria provided, single submitter. Criteria: ACMG Guidelines, 2015. Collection method: not provided. Allele origin: germline. Inheritance: Autosomal dominant inheritance. Affected: yes.